The following is an entry in ClinVar:

ClinVar aggregate classification (germline): Uncertain significance (1 of 4 stars; one submission).

Submission:

Ambry Genetics
Classification: Uncertain significance. Last evaluated: 2025-11-15. Review status: criteria provided, single submitter. Criteria: Ambry Variant Classification Scheme 2023. Collection method: clinical testing. Allele origin: germline.
Comment: The p.L389P variant (also known as c.1166T>C), located in coding exon 10 of the GEN1 gene, results from a T to C substitution at nucleotide position 1166. The leucine at codon 389 is replaced by proline, an amino acid with similar properties. This amino acid position is conserved. In addition, this alteration is predicted to be tolerated by in silico analysis. Based on the available evidence, the clinical significance of this variant remains unclear.

NM_001130009.3(GEN1):c.1166T>C (p.Leu389Pro)

Gene: GEN1 (GEN1 structure-specific endonuclease; plus strand). Cytogenetic location: 2p24.2.
Variant type: single nucleotide variant.
Coding change: c.1166T>C on transcript NM_001130009.3 (MANE Select); coding-DNA position 1166, T replaced by C.
Protein change: p.Leu389Pro; replaces leucine 389 with proline.
Molecular consequence: missense variant.
Genome position (GRCh38, 1-based): chr2:17,774,365, T>C. VCF-style: chr2-17774365-T-C. GRCh37 (hg19) VCF-style: chr2-17955632-T-C.
Other names: c.1166T>C, p.Leu389Pro (NM_182625.5); short protein forms L389P.
Identifiers: ClinVar variation 4671502 (VCV004671502.1).